The following is an entry in ClinVar:

ClinVar aggregate classification (germline): Uncertain significance (1 of 4 stars; one submission).

Conditions:
Encephalopathy, acute, infection-induced (herpes-specific), susceptibility to, 1. Also called: Herpes simplex encephalitis, susceptibility to, 1. Identifiers: Orphanet 1930, MedGen C2750180, MONDO:0024563, OMIM 610551.

Submission:

Labcorp Genetics (formerly Invitae), Labcorp
Classification: Uncertain significance for Encephalopathy, acute, infection-induced (herpes-specific), susceptibility to, 1. Last evaluated: 2022-05-08. Review status: criteria provided, single submitter. Criteria: Invitae Variant Classification Sherloc (09022015). Collection method: clinical testing. Allele origin: germline.
Comment: In summary, the available evidence is currently insufficient to determine the role of this variant in disease. Therefore, it has been classified as a Variant of Uncertain Significance. Algorithms developed to predict the effect of missense changes on protein structure and function (SIFT, PolyPhen-2, Align-GVGD) all suggest that this variant is likely to be disruptive. This variant has not been reported in the literature in individuals affected with TLR3-related conditions. This variant is not present in population databases (gnomAD no frequency). This sequence change replaces leucine, which is neutral and non-polar, with glutamine, which is neutral and polar, at codon 588 of the TLR3 protein (p.Leu588Gln).

NM_003265.3(TLR3):c.1763T>A (p.Leu588Gln)

Gene: TLR3 (toll like receptor 3; plus strand). Cytogenetic location: 4q35.1.
Variant type: single nucleotide variant.
Coding change: c.1763T>A on transcript NM_003265.3 (MANE Select); coding-DNA position 1763, T replaced by A.
Protein change: p.Leu588Gln; replaces leucine 588 with glutamine.
Molecular consequence: missense variant.
Genome position (GRCh38, 1-based): chr4:186,083,449, T>A. VCF-style: chr4-186083449-T-A. GRCh37 (hg19) VCF-style: chr4-187004603-T-A.
Other names: short protein forms L588Q.
Identifiers: ClinVar variation 2135366 (VCV002135366.4), dbSNP rs2478227798, ClinGen allele CA358933947.
Genomic context (GRCh38, chr4:186,083,449, plus strand): 5'-ACTTGGAGTCCAACGGCTTTGACGAGATCCCAGTTGAGGTCTTCAAGGATTTATTTGAAC[T>A]AAAGATCATCGATTTAGGATTGAATAATTTAAACACACTTCCAGCATCTGTCTTTAATAA-3'
Protein context (NP_003256.1, residues 578-598): PVEVFKDLFE[Leu588Gln]KIIDLGLNNL